The following is an entry in ClinVar:

NC_000010.10:g.(?_48381905)_(48416693_?)dup

Genes: GDF2 (growth differentiation factor 2; plus strand), RBP3 (retinol binding protein 3; plus strand). Cytogenetic location: 10q11.22.
Variant type: Duplication.
Identifiers: ClinVar variation 1482487 (VCV001482487.4).

ClinVar aggregate classification (germline): Uncertain significance (1 of 4 stars; one submission).

Submission:

Labcorp Genetics (formerly Invitae), Labcorp
Classification: Uncertain significance. Last evaluated: 2022-10-13. Review status: criteria provided, single submitter. Criteria: Invitae Variant Classification Sherloc (09022015). Collection method: clinical testing. Allele origin: germline.
Comment: A copy number gain of the genomic region encompassing the full coding sequence of the RBP3 gene has been identified. The boundaries of this event are unknown as they extend beyond the assayed region for this gene and therefore may encompass additional genes. As the precise location of this event is unknown, it may be in tandem or it may be located elsewhere in the genome. This variant has not been reported in the literature in individuals affected with RBP3-related conditions. In summary, the available evidence is currently insufficient to determine the role of this variant in disease. Therefore, it has been classified as a Variant of Uncertain Significance.